The following is an entry in ClinVar:

ClinVar aggregate classification (germline): Uncertain significance (1 of 4 stars; one submission).

Conditions:
RASopathy. Also called: rasopathies; Noonan spectrum disorder. Identifiers: Orphanet 536391, MedGen C5555857, MONDO:0021060.

Submission:

Labcorp Genetics (formerly Invitae), Labcorp
Classification: Uncertain significance for RASopathy. Last evaluated: 2022-10-31. Review status: criteria provided, single submitter. Criteria: Invitae Variant Classification Sherloc (09022015). Collection method: clinical testing. Allele origin: germline.
Comment: In summary, the available evidence is currently insufficient to determine the role of this variant in disease. Therefore, it has been classified as a Variant of Uncertain Significance. ClinVar contains an entry for this variant (Variation ID: 1351072). This variant has not been reported in the literature in individuals affected with RAF1-related conditions. This variant is not present in population databases (gnomAD no frequency). This sequence change creates a premature translational stop signal (p.Lys431*) in the RAF1 gene. It is expected to result in an absent or disrupted protein product. However, the current clinical and genetic evidence is not sufficient to establish whether loss-of-function variants in RAF1 cause disease.

NM_002880.4(RAF1):c.1291A>T (p.Lys431Ter)

Gene: RAF1 (Raf-1 proto-oncogene, serine/threonine kinase; minus strand). Cytogenetic location: 3p25.2.
Variant type: single nucleotide variant.
Coding change: c.1291A>T on transcript NM_002880.4 (MANE Select); coding-DNA position 1291, A replaced by T.
Protein change: p.Lys431Ter; replaces lysine 431 with a stop codon.
Molecular consequence: nonsense. On other transcripts: non-coding transcript variant (3).
Genome position (GRCh38, 1-based): chr3:12,590,877, T>A on the plus strand (A>T on the coding strand, the complement: RAF1 is on the minus strand). VCF-style: chr3-12590877-T-A. GRCh37 (hg19) VCF-style: chr3-12632376-T-A.
Other names: c.1351A>T, p.Lys451Ter (NM_001354689.3); c.1291A>T, p.Lys431Ter (NM_001354690.3); c.1048A>T, p.Lys350Ter (NM_001354691.3, NM_001354692.3); c.1192A>T, p.Lys398Ter (NM_001354693.3); c.1108A>T, p.Lys370Ter (NM_001354694.3); c.949A>T, p.Lys317Ter (NM_001354695.3); short protein forms K431*, K317*, K370*, K398*, K350*, K451*.
Identifiers: ClinVar variation 1351072 (VCV001351072.6), dbSNP rs2125343165, ClinGen allele CA351502043.